The following is an entry in ClinVar:

ClinVar aggregate classification (germline): Uncertain significance (1 of 4 stars; one submission).

Conditions:
Menkes kinky-hair syndrome (MNK). Also called: Copper transport disease; Menkes Disease; Classic Menkes Disease. Identifiers: Orphanet 565, MedGen C0022716, MONDO:0010651, OMIM 309400.
X-linked distal spinal muscular atrophy type 3. Also called: ATP7A-Related Distal Motor Neuropathy; SPINAL MUSCULAR ATROPHY, DISTAL, X-LINKED RECESSIVE; NEURONOPATHY, DISTAL HEREDITARY MOTOR, X-LINKED; NEUROPATHY, DISTAL HEREDITARY MOTOR, X-LINKED. Identifiers: Orphanet 139557, MedGen C1845359, MONDO:0010338, OMIM 300489.
Cutis laxa, X-linked (OHS). Also called: EDS IX; Occipital horn syndrome. Identifiers: Orphanet 198, MedGen C0268353, MONDO:0010572, OMIM 304150.

Submission:

Labcorp Genetics (formerly Invitae), Labcorp
Classification: Uncertain significance for X-linked distal spinal muscular atrophy type 3; Cutis laxa, X-linked; Menkes kinky-hair syndrome. Last evaluated: 2024-12-28. Review status: criteria provided, single submitter. Criteria: Invitae Variant Classification Sherloc (09022015). Collection method: clinical testing. Allele origin: germline.
Comment: This sequence change replaces glycine, which is neutral and non-polar, with aspartic acid, which is acidic and polar, at codon 285 of the ATP7A protein (p.Gly285Asp). This variant is not present in population databases (gnomAD no frequency). This variant has not been reported in the literature in individuals affected with ATP7A-related conditions. Invitae Evidence Modeling of protein sequence and biophysical properties (such as structural, functional, and spatial information, amino acid conservation, physicochemical variation, residue mobility, and thermodynamic stability) has been performed for this missense variant. However, the output from this modeling did not meet the statistical confidence thresholds required to predict the impact of this variant on ATP7A protein function. In summary, the available evidence is currently insufficient to determine the role of this variant in disease. Therefore, it has been classified as a Variant of Uncertain Significance.

NM_000052.7(ATP7A):c.854G>A (p.Gly285Asp)

Gene: ATP7A (ATPase copper transporting alpha; plus strand). Cytogenetic location: Xq21.1.
Variant type: single nucleotide variant.
Coding change: c.854G>A on transcript NM_000052.7 (MANE Select); coding-DNA position 854, G replaced by A.
Protein change: p.Gly285Asp; replaces glycine 285 with aspartic acid.
Molecular consequence: missense variant.
Genome position (GRCh38, 1-based): chrX:77,989,476, G>A. VCF-style: chrX-77989476-G-A. GRCh37 (hg19) VCF-style: chrX-77244972-G-A.
Other names: c.854G>A, p.Gly285Asp (NM_001282224.2); short protein forms G285D.
Identifiers: ClinVar variation 3753799 (VCV003753799.2).